The following is an entry in ClinVar:

NM_022455.5(NSD1):c.3706G>A (p.Val1236Ile)

Gene: NSD1 (nuclear receptor binding SET domain protein 1; plus strand). Cytogenetic location: 5q35.3.
Variant type: single nucleotide variant.
Coding change: c.3706G>A on transcript NM_022455.5 (MANE Select); coding-DNA position 3706, G replaced by A.
Protein change: p.Val1236Ile; replaces valine 1236 with isoleucine.
Molecular consequence: missense variant.
Genome position (GRCh38, 1-based): chr5:177,212,105, G>A. VCF-style: chr5-177212105-G-A. GRCh37 (hg19) VCF-style: chr5-176639106-G-A.
Other names: c.2833G>A, p.Val945Ile (NM_001365684.2, NM_001409306.1, NM_001409307.1 and 3 more transcripts); c.3706G>A, p.Val1236Ile (NM_001409301.1, NM_001409302.1, NM_001409303.1); c.3286G>A, p.Val1096Ile (NM_001409304.1); c.2953G>A, p.Val985Ile (NM_001409305.1); short protein forms V1096I, V1236I, V945I, V985I.
Identifiers: ClinVar variation 2580731 (VCV002580731.1), dbSNP rs2480468550, ClinGen allele CA362327227.
Genomic context (GRCh38, chr5:177,212,105, plus strand): 5'-GAACCACTGACAGAGCAAAATCATGCTGACTGCTTAGATTCAGCTGGGCCACGGTTAAAT[G>A]TTTGTGATAAATCCAGTGCCAGCATTGGTGACATGGAAAAGGAGCCAGGAATTCCCAGTT-3'
Protein context (NP_071900.2, residues 1226-1246): CLDSAGPRLN[Val1236Ile]CDKSSASIGD

ClinVar aggregate classification (germline): Uncertain significance (1 of 4 stars; one submission).

Submission:

GeneDx
Classification: Uncertain significance. Last evaluated: 2023-03-24. Review status: criteria provided, single submitter. Criteria: GeneDx Variant Classification Process June 2021. Collection method: clinical testing. Allele origin: germline. Affected: yes.
Comment: Not observed at significant frequency in large population cohorts (gnomAD); In silico analysis supports that this missense variant does not alter protein structure/function; Has not been previously published as pathogenic or benign to our knowledge